The following is an entry in ClinVar:

NM_017491.5(WDR1):c.951+5G>A

Gene: WDR1 (WD repeat domain 1; minus strand). Cytogenetic location: 4p16.1.
Variant type: single nucleotide variant.
Coding change: c.951+5G>A on transcript NM_017491.5 (MANE Select); 5 bases into the intron after coding-DNA position 951, G replaced by A.
Molecular consequence: intron variant.
Genome position (GRCh38, 1-based): chr4:10,087,702, C>T on the plus strand (G>A on the coding strand, the complement: WDR1 is on the minus strand). VCF-style: chr4-10087702-C-T. GRCh37 (hg19) VCF-style: chr4-10089326-C-T.
Other names: c.531+5G>A (NM_005112.5).
Identifiers: ClinVar variation 1675150 (VCV001675150.2), dbSNP rs754413009, ClinGen allele CA2857859.
Genomic context (GRCh38, chr4:10,087,702, plus strand): 5'-GCTGGCCACTCTGGTCTCTTCCCTGTCCACCCAGCGGGCAGAGCCTTCCCCAGGGCAGGC[C>T]TTACCTTGATGACGTGCAGGGGCTTGCTGGGGTTGTTTCTGTCCAGATAGTTGATGTACC-3'

ClinVar aggregate classification (germline): Conflicting classifications of pathogenicity. Review status: criteria provided, conflicting classifications (1 of 4 stars). 2 submissions from 2 submitters: Uncertain significance (1); Likely benign (1). Last evaluated 2023-04-21.

Conditions:
Lazy leukocyte syndrome. Identifiers: Orphanet 652522, MedGen C0272174, MONDO:0007883, OMIM 150550.

Allele frequency attached by ClinVar (database versions not stated): gnomAD exomes 0.00001; ExAC 0.00010.
gnomAD v4.1: 25 of 1,581,370 alleles (0.0016%); highest among the groups gnomAD compares: South Asian, 0.028%; no homozygotes.

Submissions (2):

Blueprint Genetics
Classification: Likely benign. Last evaluated: 2023-04-21. Review status: criteria provided, single submitter. Criteria: ACMG Guidelines, 2015. Collection method: clinical testing. Allele origin: germline.

Center for Genomics, Ann and Robert H. Lurie Children's Hospital of Chicago
Classification: Uncertain significance for Lazy leukocyte syndrome. Last evaluated: 2021-07-26. Review status: criteria provided, single submitter. Criteria: ACMG Guidelines, 2015. Collection method: clinical testing. Allele origin: germline.
Comment: WDR1 NM_017491.4 intron 8 c.951+5G>A: This variant has not been reported in the literature and is not present in large control databases. Evolutionary conservation and computational predictive tools for this variant are limited or unavailable. This variant is an intronic variant with no predicted change in the amino acid sequence but may have an unknown effect on splicing. Computational prediction tools do not suggest that it alters splicing. Further studies are needed to understand its impact. In summary, data on this variant is insufficient for disease classification. Therefore, the clinical significance of this variant is uncertain.